The following is an entry in ClinVar:

NM_000548.5(TSC2):c.4091C>A (p.Ser1364Tyr)

Gene: TSC2 (TSC complex subunit 2; plus strand). Cytogenetic location: 16p13.3.
Variant type: single nucleotide variant.
Coding change: c.4091C>A on transcript NM_000548.5 (MANE Select); coding-DNA position 4091, C replaced by A.
Protein change: p.Ser1364Tyr; replaces serine 1364 with tyrosine.
Molecular consequence: missense variant. On other transcripts: non-coding transcript variant (5).
Genome position (GRCh38, 1-based): chr16:2,084,313, C>A. VCF-style: chr16-2084313-C-A. GRCh37 (hg19) VCF-style: chr16-2134314-C-A.
Other names: c.3890C>A, p.Ser1297Tyr (NM_001077183.3); c.4022C>A, p.Ser1341Tyr (NM_001114382.3); c.3782C>A, p.Ser1261Tyr (NM_001318827.2); c.3746C>A, p.Ser1249Tyr (NM_001318829.2); c.3359C>A, p.Ser1120Tyr (NM_001318831.2); c.3923C>A, p.Ser1308Tyr (NM_001318832.2); c.3893C>A, p.Ser1298Tyr (NM_001363528.2); c.3959C>A, p.Ser1320Tyr (NM_001370404.1); and 26 more; short protein forms S1120Y, S1141Y, S1144Y, S1249Y, S1260Y, S1261Y, S1293Y, S1304Y.
Identifiers: ClinVar variation 2768978 (VCV002768978.4), dbSNP rs1245757559, ClinGen allele CA394299462.

ClinVar aggregate classification (germline): Conflicting classifications of pathogenicity. Review status: criteria provided, conflicting classifications (1 of 4 stars). 2 submissions from 2 submitters: Uncertain significance (1); Benign (1). Last evaluated 2026-06-12.

Conditions:
Hereditary cancer-predisposing syndrome. Also called: Tumor predisposition; Hereditary neoplastic syndrome; Neoplastic Syndromes, Hereditary; Hereditary Cancer Syndrome. Identifiers: Orphanet 140162, MedGen C0027672, MeSH D009386, MONDO:0015356.
Tuberous sclerosis 2 (TSC2). Identifiers: Orphanet 805, MedGen C1860707, MONDO:0013199, OMIM 613254.

gnomAD v4.1: 1 of 1,612,770 alleles (0.000062%); highest among the groups gnomAD compares: Admixed American, 0.0017%; no homozygotes.

Submissions (2):

Ambry Genetics
Classification: Uncertain significance for Hereditary cancer-predisposing syndrome. Last evaluated: 2026-06-12. Review status: criteria provided, single submitter. Criteria: Ambry Variant Classification Scheme 2023. Collection method: clinical testing. Allele origin: germline.
Comment: The p.S1364Y variant (also known as c.4091C>A), located in coding exon 33 of the TSC2 gene, results from a C to A substitution at nucleotide position 4091. The serine at codon 1364 is replaced by tyrosine, an amino acid with dissimilar properties. This amino acid position is conserved. In addition, the in silico prediction for this alteration is inconclusive. Based on the available evidence, the clinical significance of this variant remains unclear.

Labcorp Genetics (formerly Invitae), Labcorp
Classification: Benign for Tuberous sclerosis 2. Last evaluated: 2025-07-28. Review status: criteria provided, single submitter. Criteria: Invitae Variant Classification Sherloc (09022015). Collection method: clinical testing. Allele origin: germline.